The following is an entry in ClinVar:

NM_001127649.3(PEX26):c.350C>T (p.Pro117Leu)

Gene: PEX26 (peroxisomal biogenesis factor 26; plus strand). Cytogenetic location: 22q11.21.
Variant type: single nucleotide variant.
Coding change: c.350C>T on transcript NM_001127649.3 (MANE Select); coding-DNA position 350, C replaced by T.
Protein change: p.Pro117Leu; replaces proline 117 with leucine.
Molecular consequence: missense variant.
Genome position (GRCh38, 1-based): chr22:18,079,993, C>T. VCF-style: chr22-18079993-C-T. GRCh37 (hg19) VCF-style: chr22-18562759-C-T.
Other names: c.350C>T, p.Pro117Leu (NM_001199319.2, NM_017929.6); short protein forms P117L.
Identifiers: ClinVar variation 2138415 (VCV002138415.6), dbSNP rs61752134, ClinGen allele CA10093293.

ClinVar aggregate classification (germline): Conflicting classifications of pathogenicity. Review status: criteria provided, conflicting classifications (1 of 4 stars). 5 submissions from 5 submitters: Likely pathogenic (2); Uncertain significance (3). Last evaluated 2025-10-21.

Conditions:
Peroxisome biogenesis disorder 7A (Zellweger). Also called: Peroxisome biogenesis disorder 7A. Identifiers: Orphanet 912, MedGen C3888385, MONDO:0013938, OMIM 614872.
Peroxisome biogenesis disorder 7B (PBD7B). Identifiers: Orphanet 44, MedGen C3553951, MONDO:0013939, OMIM 614873.

Allele frequency attached by ClinVar (database versions not stated): TOPMed 0.00001; ExAC 0.00002; gnomAD 0.00002; gnomAD exomes 0.00002.
gnomAD v4.1: 29 of 1,614,008 alleles (0.0018%); highest among the groups gnomAD compares: African/African-American, 0.0027%; no homozygotes.

Submissions (5):

Women's Health and Genetics/Laboratory Corporation of America, LabCorp
Classification: Uncertain significance. Last evaluated: 2025-10-21. Review status: criteria provided, single submitter. Criteria: LabCorp Variant Classification Summary - May 2015. Collection method: clinical testing. Allele origin: germline.
Comment: Variant summary: PEX26 c.350C>T (p.Pro117Leu) results in a non-conservative amino acid change in the encoded protein sequence. Algorithms developed to predict the effect of missense changes on protein structure and function all suggest that this variant is likely to be disruptive. The variant allele was found at a frequency of 8e-06 in 251470 control chromosomes. The available data on variant occurrences in the general population are insufficient to allow any conclusion about variant significance. c.350C>T has been observed in an individual affected with Zellweger Syndrome (Weller_2005, Furuki_2006). These data do not allow any conclusion about variant significance. To our knowledge, no experimental evidence demonstrating an impact on protein function has been reported. The following publications have been ascertained in the context of this evaluation (PMID: 16257970, 15858711). ClinVar contains an entry for this variant (Variation ID: 2138415). Based on the evidence outlined above, the variant was classified as uncertain significance.

Blueprint Genetics
Classification: Uncertain significance. Last evaluated: 2024-09-03. Review status: criteria provided, single submitter. Criteria: ACMG Guidelines, 2015. Collection method: clinical testing. Allele origin: germline.

Fulgent Genetics
Classification: Likely pathogenic for Peroxisome biogenesis disorder 7A (Zellweger); Peroxisome biogenesis disorder 7B. Last evaluated: 2024-05-10. Review status: criteria provided, single submitter. Criteria: ACMG Guidelines, 2015. Collection method: clinical testing. Allele origin: germline.

Baylor Genetics
Classification: Likely pathogenic for Peroxisome biogenesis disorder 7A (Zellweger). Last evaluated: 2023-11-26. Review status: criteria provided, single submitter. Criteria: ACMG Guidelines, 2015. Collection method: clinical testing. Allele origin: unknown.

Labcorp Genetics (formerly Invitae), Labcorp
Classification: Uncertain significance for Peroxisome biogenesis disorder 7A (Zellweger); Peroxisome biogenesis disorder 7B. Last evaluated: 2022-06-07. Review status: criteria provided, single submitter. Criteria: Invitae Variant Classification Sherloc (09022015). Collection method: clinical testing. Allele origin: germline.
Comment: This sequence change replaces proline, which is neutral and non-polar, with leucine, which is neutral and non-polar, at codon 117 of the PEX26 protein (p.Pro117Leu). This variant is present in population databases (rs61752134, gnomAD 0.01%). This missense change has been observed in individual(s) with infantile Refsum disease (PMID: 15858711). Algorithms developed to predict the effect of missense changes on protein structure and function (SIFT, PolyPhen-2, Align-GVGD) all suggest that this variant is likely to be disruptive. Experimental studies have shown that this missense change affects PEX26 function (PMID: 16257970). In summary, the available evidence is currently insufficient to determine the role of this variant in disease. Therefore, it has been classified as a Variant of Uncertain Significance.

Literature cited by the submitters: PubMed 16257970 (cited by Women's Health and Genetics/Laboratory Corporation of America, LabCorp and Labcorp Genetics (formerly Invitae), Labcorp); PubMed 15858711 (cited by Women's Health and Genetics/Laboratory Corporation of America, LabCorp and Labcorp Genetics (formerly Invitae), Labcorp).